The following is an entry in ClinVar:

ClinVar aggregate classification (germline): Uncertain significance (1 of 4 stars; one submission).

Submission:

GeneDx
Classification: Uncertain significance. Last evaluated: 2026-03-15. Review status: criteria provided, single submitter. Criteria: GeneDx Variant Classification Process June 2021. Collection method: clinical testing. Allele origin: germline.
Comment: Not observed at significant frequency in large population cohorts (gnomAD); Frameshift variant predicted to result in abnormal protein length as the last 179 amino acid(s) are replaced with 120 different amino acid(s); Has not been previously published as pathogenic or benign to our knowledge

NM_000937.5(POLR2A):c.5373_5374del (p.Pro1792fs)

Gene: POLR2A (RNA polymerase II subunit A; plus strand). Cytogenetic location: 17p13.1.
Variant type: Microsatellite.
Coding change: c.5373_5374del on transcript NM_000937.5 (MANE Select); coding-DNA positions 5373 to 5374, 2 bases deleted (TC; older notation c.5373_5374delTC).
Protein change: p.Pro1792fs; shifts the reading frame from proline 1792.
Molecular consequence: frameshift variant.
Genome position (GRCh38, 1-based): chr17:7,513,637-7,513,638, TC deleted; deleting any 2 consecutive bases within chr17:7,513,634-7,513,638 gives the same sequence; the c. name uses the placement nearest the transcript's 3' end. VCF-style (leftmost placement, unchanged base first): chr17-7513633-ACT-A. GRCh37 (hg19) VCF-style: chr17-7416952-ACT-A.
Other names: short protein forms P1792fs.
Identifiers: ClinVar variation 5008692 (VCV005008692.1).